The following is an entry in ClinVar:

ClinVar aggregate classification (germline): Likely benign. Review status: criteria provided, single submitter (1 of 4 stars). 2 submissions from 2 submitters: Likely benign (1). 1 of the submissions does not count toward it. Last evaluated 2026-07-01.

Allele frequency attached by ClinVar (database versions not stated): 1000 Genomes Project 30x 0.00141; 1000 Genomes Project 0.00180; TOPMed 0.00388; gnomAD exomes 0.00423 and 0.00524; ESP Exome Variant Server 0.00454; gnomAD 0.00472 and 0.00489; ExAC 0.00519.
gnomAD v4.1: 8,067 of 1,554,776 alleles (0.52%); highest among the groups gnomAD compares: Non-Finnish European, 0.6%; 27 homozygotes.

Submissions (2):

CeGaT Center for Human Genetics Tuebingen
Classification: Likely benign. Last evaluated: 2026-07-01. Review status: criteria provided, single submitter. Criteria: CeGaT Center For Human Genetics Tuebingen Variant Classification Criteria Version 2. Collection method: clinical testing. Allele origin: germline. Affected: yes. Observed: 6 variant alleles.
Comment: ABCA4: BS2

Retina International
No classification provided. Review status: no classification provided. Collection method: not provided. Allele origin: not provided. Not counted in ClinVar's aggregate classification.

NM_000350.3(ABCA4):c.3523-28T>C

Gene: ABCA4 (ATP binding cassette subfamily A member 4; minus strand). Cytogenetic location: 1p22.1.
Variant type: single nucleotide variant.
Coding change: c.3523-28T>C on transcript NM_000350.3 (MANE Select); 28 bases into the intron before coding-DNA position 3523, T replaced by C.
Molecular consequence: intron variant.
Genome position (GRCh38, 1-based): chr1:94,040,155, A>G on the plus strand (T>C on the coding strand, the complement: ABCA4 is on the minus strand). VCF-style: chr1-94040155-A-G. GRCh37 (hg19) VCF-style: chr1-94505711-A-G.
Identifiers: ClinVar variation 99228 (VCV000099228.7), dbSNP rs55896821, ClinGen allele CA227120.
Genomic context (GRCh38, chr1:94,040,155, plus strand): 5'-GGAGAAACCCTTAGACGAGCAGCTGCAGGTCCCCTGCAACAGATGGATGGGATGACTGAC[A>G]AGATGCACATCCCTTCCATGACAGCCTCTCCCTGATGCCAGCTGCTGTCACCGCCCGCTT-3'